The following is an entry in ClinVar:

ClinVar aggregate classification (germline): Uncertain significance. Review status: criteria provided, multiple submitters, no conflicts (2 of 4 stars). 4 submissions from 4 submitters: Uncertain significance (3). 1 of the submissions does not count toward it. Last evaluated 2025-10-22.

Conditions:
Retinitis pigmentosa 25 (RP25). Identifiers: Orphanet 791, MedGen C1864446, MONDO:0011272, OMIM 602772.
EYS-related disorder. Also called: EYS-related condition.

Allele frequency attached by ClinVar (database versions not stated): ExAC 0.00005; gnomAD 0.00005; gnomAD exomes 0.00005; TOPMed 0.00005.
gnomAD v4.1: 164 of 1,513,590 alleles (0.011%); highest among the groups gnomAD compares: Non-Finnish European, 0.014%; no homozygotes.

Submissions (4):

PreventionGenetics, part of Exact Sciences
Classification: Uncertain significance for EYS-related condition. Last evaluated: 2025-10-22. Review status: criteria provided, single submitter. Criteria: ACMG Guidelines, 2015. Collection method: clinical testing. Allele origin: germline.
Comment: The EYS c.2642-5T>G variant is predicted to interfere with splicing. This variant is predicted to impact splicing based on one available splicing algorithm (SpliceAI, Jaganathan et al. 2019. PubMed ID: 30661751). To our knowledge, this variant has not been reported in the literature. This variant is reported in 0.0091% of alleles in individuals of European (Non-Finnish) descent in gnomAD. At this time, the clinical significance of this variant is uncertain due to the absence of conclusive functional and genetic evidence.

Labcorp Genetics (formerly Invitae), Labcorp
Classification: Uncertain significance. Last evaluated: 2025-03-17. Review status: criteria provided, single submitter. Criteria: Invitae Variant Classification Sherloc (09022015). Collection method: clinical testing. Allele origin: germline.
Comment: This sequence change falls in intron 16 of the EYS gene. It does not directly change the encoded amino acid sequence of the EYS protein. This variant is present in population databases (rs767752603, gnomAD 0.008%). This variant has not been reported in the literature in individuals affected with EYS-related conditions. ClinVar contains an entry for this variant (Variation ID: 843505). Algorithms developed to predict the effect of sequence changes on RNA splicing suggest that this variant may create or strengthen a splice site. In summary, the available evidence is currently insufficient to determine the role of this variant in disease. Therefore, it has been classified as a Variant of Uncertain Significance.

Blueprint Genetics
Classification: Uncertain significance. Last evaluated: 2024-02-13. Review status: criteria provided, single submitter. Criteria: ACMG Guidelines, 2015. Collection method: clinical testing. Allele origin: germline.

Natera, Inc.
Classification: Uncertain significance for Retinitis pigmentosa type 25. Last evaluated: 2020-06-10. Review status: no assertion criteria provided. Collection method: clinical testing. Allele origin: germline. Not counted in ClinVar's aggregate classification.

NM_001142800.2(EYS):c.2642-5T>G

Gene: EYS (EGF-like photoreceptor maintenance factor; minus strand). Cytogenetic location: 6q12.
Variant type: single nucleotide variant.
Coding change: c.2642-5T>G on transcript NM_001142800.2 (MANE Select); 5 bases into the intron before coding-DNA position 2642, T replaced by G.
Molecular consequence: intron variant.
Genome position (GRCh38, 1-based): chr6:64,902,505, A>C on the plus strand (T>G on the coding strand, the complement: EYS is on the minus strand). VCF-style: chr6-64902505-A-C. GRCh37 (hg19) VCF-style: chr6-65612398-A-C.
Other names: c.2642-5T>G (NM_001292009.2).
Identifiers: ClinVar variation 843505 (VCV000843505.8), dbSNP rs767752603, ClinGen allele CA3877259.
Genomic context (GRCh38, chr6:64,902,505, plus strand): 5'-GCAGGAAAGGAAGAGGCAGTCTTTCACATCAATTTCACAGTTTTTACCTTCAAATTCTGC[A>C]AAGAGTATGAGATGAGTATGGATGAGCAATCCTTGTTATAGAGTAAAAAAATCAGAATCA-3'